The following is an entry in ClinVar:

NM_004341.5(CAD):c.4939C>T (p.His1647Tyr)

Gene: CAD (carbamoyl-phosphate synthetase 2, aspartate transcarbamylase, and dihydroorotase; plus strand). Cytogenetic location: 2p23.3.
Variant type: single nucleotide variant.
Coding change: c.4939C>T on transcript NM_004341.5 (MANE Select); coding-DNA position 4939, C replaced by T.
Protein change: p.His1647Tyr; replaces histidine 1647 with tyrosine.
Molecular consequence: missense variant.
Genome position (GRCh38, 1-based): chr2:27,238,509, C>T. VCF-style: chr2-27238509-C-T. GRCh37 (hg19) VCF-style: chr2-27461377-C-T.
Other names: c.4750C>T, p.His1584Tyr (NM_001306079.2); c.4939C>T (NM_004341.3); short protein forms H1647Y, H1584Y.
Identifiers: ClinVar variation 1523349 (VCV001523349.6), dbSNP rs1676135086, ClinGen allele CA346221776.

ClinVar aggregate classification (germline): Uncertain significance. Review status: criteria provided, multiple submitters, no conflicts (2 of 4 stars). 2 submissions from 2 submitters: Uncertain significance (2). Last evaluated 2025-08-15.

Conditions:
Inborn genetic diseases. Identifiers: MedGen C0950123, MeSH D030342.

Allele frequency attached by ClinVar (database versions not stated): gnomAD exomes below 0.00001.
gnomAD v4.1: 6 of 1,613,410 alleles (0.00037%); highest among the groups gnomAD compares: Non-Finnish European, 0.00051%; no homozygotes.

Submissions (2):

Ambry Genetics
Classification: Uncertain significance for Inborn genetic diseases. Last evaluated: 2025-08-15. Review status: criteria provided, single submitter. Criteria: Ambry Variant Classification Scheme 2023. Collection method: clinical testing. Allele origin: germline.

Labcorp Genetics (formerly Invitae), Labcorp
Classification: Uncertain significance. Last evaluated: 2021-08-27. Review status: criteria provided, single submitter. Criteria: Invitae Variant Classification Sherloc (09022015). Collection method: clinical testing. Allele origin: germline.
Comment: This sequence change replaces histidine with tyrosine at codon 1647 of the CAD protein (p.His1647Tyr). The histidine residue is weakly conserved and there is a moderate physicochemical difference between histidine and tyrosine. This variant is not present in population databases (ExAC no frequency). This variant has not been reported in the literature in individuals affected with CAD-related conditions. Algorithms developed to predict the effect of missense changes on protein structure and function (SIFT, PolyPhen-2, Align-GVGD) all suggest that this variant is likely to be tolerated. In summary, the available evidence is currently insufficient to determine the role of this variant in disease. Therefore, it has been classified as a Variant of Uncertain Significance.